The following is an entry in ClinVar:

ClinVar aggregate classification (germline): Uncertain significance (1 of 4 stars; one submission).

Allele frequency attached by ClinVar (database versions not stated): gnomAD exomes below 0.00001.
gnomAD v4.1: 2 of 1,614,230 alleles (0.00012%); highest among the groups gnomAD compares: Non-Finnish European, 0.00017%; no homozygotes.

Submission:

Labcorp Genetics (formerly Invitae), Labcorp
Classification: Uncertain significance. Last evaluated: 2021-12-03. Review status: criteria provided, single submitter. Criteria: Invitae Variant Classification Sherloc (09022015). Collection method: clinical testing. Allele origin: germline.
Comment: This sequence change replaces aspartic acid, which is acidic and polar, with asparagine, which is neutral and polar, at codon 755 of the CTNNB1 protein (p.Asp755Asn). This variant is not present in population databases (gnomAD no frequency). This variant has not been reported in the literature in individuals affected with CTNNB1-related conditions. Algorithms developed to predict the effect of missense changes on protein structure and function (SIFT, PolyPhen-2, Align-GVGD) all suggest that this variant is likely to be tolerated. In summary, the available evidence is currently insufficient to determine the role of this variant in disease. Therefore, it has been classified as a Variant of Uncertain Significance.

NM_001904.4(CTNNB1):c.2263G>A (p.Asp755Asn)

Gene: CTNNB1 (catenin beta 1; plus strand). Cytogenetic location: 3p22.1.
Variant type: single nucleotide variant.
Coding change: c.2263G>A on transcript NM_001904.4 (MANE Select); coding-DNA position 2263, G replaced by A.
Protein change: p.Asp755Asn; replaces aspartic acid 755 with asparagine.
Molecular consequence: missense variant.
Genome position (GRCh38, 1-based): chr3:41,239,259, G>A. VCF-style: chr3-41239259-G-A. GRCh37 (hg19) VCF-style: chr3-41280750-G-A.
Other names: c.2263G>A, p.Asp755Asn (NM_001098209.2, NM_001098210.2); c.2242G>A, p.Asp748Asn (NM_001330729.2); short protein forms D748N, D755N.
Identifiers: ClinVar variation 1396212 (VCV001396212.6), dbSNP rs2125653736, ClinGen allele CA352237524.
Genomic context (GRCh38, chr3:41,239,259, plus strand): 5'-ATGGAACATGAGATGGGTGGCCACCACCCTGGTGCTGACTATCCAGTTGATGGGCTGCCA[G>A]ATCTGGGGCATGCCCAGGACCTCATGGATGGGCTGCCTCCAGGTGACAGCAATCAGCTGG-3'
Protein context (NP_001895.1, residues 745-765): GADYPVDGLP[Asp755Asn]LGHAQDLMDG